The following is an entry in ClinVar:

NM_025137.4(SPG11):c.4224G>C (p.Glu1408Asp)

Genes: SPG11 (SPG11 vesicle trafficking associated, spatacsin; minus strand), LOC130056973 (ATAC-STARR-seq lymphoblastoid active region 9341; plus strand). Cytogenetic location: 15q21.1.
Variant type: single nucleotide variant.
Coding change: c.4224G>C on transcript NM_025137.4 (MANE Select); coding-DNA position 4224, G replaced by C.
Protein change: p.Glu1408Asp; replaces glutamic acid 1408 with aspartic acid.
Molecular consequence: missense variant.
Genome position (GRCh38, 1-based): chr15:44,596,293, C>G on the plus strand (G>C on the coding strand, the complement: SPG11 is on the minus strand). VCF-style: chr15-44596293-C-G. GRCh37 (hg19) VCF-style: chr15-44888491-C-G.
Other names: c.4224G>C, p.Glu1408Asp (NM_001160227.2, NM_001411132.1); short protein forms E1408D.
Identifiers: ClinVar variation 3704520 (VCV003704520.3).

ClinVar aggregate classification (germline): Uncertain significance. Review status: criteria provided, multiple submitters, no conflicts (2 of 4 stars). 2 submissions from 2 submitters: Uncertain significance (2). Last evaluated 2024-03-19.

Conditions:
Hereditary spastic paraplegia 11. Also called: Nakamura Osame syndrome; Autosomal recessive hereditary spastic paraplegia, mental impairment, and thin corpus callosum; SPASTIC PARAPLEGIA, AUTOSOMAL RECESSIVE, COMPLICATED, WITH THIN CORPUS CALLOSUM; SPASTIC PARAPLEGIA, AUTOSOMAL RECESSIVE, WITH MENTAL IMPAIRMENT AND THIN CORPUS CALLOSUM; Spastic Paraplegia 11; Spastic paraplegia, mental retardation and thin corpus callosum. Identifiers: Orphanet 2822, MedGen C1858479, MONDO:0011445, OMIM 604360.

gnomAD v4.1: 26 of 1,614,050 alleles (0.0016%); highest among the groups gnomAD compares: Non-Finnish European, 0.0021%; no homozygotes.

Submissions (2):

Labcorp Genetics (formerly Invitae), Labcorp
Classification: Uncertain significance for Hereditary spastic paraplegia 11. Last evaluated: 2024-03-19. Review status: criteria provided, single submitter. Criteria: Invitae Variant Classification Sherloc (09022015). Collection method: clinical testing. Allele origin: germline.
Comment: This sequence change replaces glutamic acid, which is acidic and polar, with aspartic acid, which is acidic and polar, at codon 1408 of the SPG11 protein (p.Glu1408Asp). This variant is present in population databases (rs777496606, gnomAD 0.006%). This variant has not been reported in the literature in individuals affected with SPG11-related conditions. Advanced modeling of protein sequence and biophysical properties (such as structural, functional, and spatial information, amino acid conservation, physicochemical variation, residue mobility, and thermodynamic stability) performed at Invitae indicates that this missense variant is not expected to disrupt SPG11 protein function with a negative predictive value of 80%. In summary, the available evidence is currently insufficient to determine the role of this variant in disease. Therefore, it has been classified as a Variant of Uncertain Significance.

Blueprint Genetics
Classification: Uncertain significance. Last evaluated: 2021-10-07. Review status: criteria provided, single submitter. Criteria: ACMG Guidelines, 2015. Collection method: clinical testing. Allele origin: germline.